The following is an entry in ClinVar:

ClinVar aggregate classification (germline): Benign/Likely benign. Review status: criteria provided, multiple submitters, no conflicts (2 of 4 stars). 5 submissions from 5 submitters: Benign (2); Likely benign (3). Last evaluated 2026-02-01.

Conditions:
Bethlem myopathy 1A. Also called: MYOPATHY, BENIGN CONGENITAL, WITH CONTRACTURES; Bethlem myopathy 1; Bethlem Muscular Dystrophy. Identifiers: Orphanet 610, MedGen CN029274, MONDO:0024530, OMIM 158810.

Allele frequency attached by ClinVar (database versions not stated): 1000 Genomes Project 30x 0.00312; 1000 Genomes Project 0.00371; TOPMed 0.00378; gnomAD 0.00404 and 0.00425; ESP Exome Variant Server 0.00492; gnomAD exomes 0.00593 and 0.00628; ExAC 0.00628.
gnomAD v4.1: 6,408 of 1,106,348 alleles (0.58%); highest among the groups gnomAD compares: South Asian, 1.7%; 29 homozygotes.

Submissions (6):

Labcorp Genetics (formerly Invitae), Labcorp
Classification: Benign. Last evaluated: 2026-02-01. Review status: criteria provided, single submitter. Criteria: Invitae Variant Classification Sherloc (09022015). Collection method: clinical testing. Allele origin: germline.

Blueprint Genetics
Classification: Likely benign. Last evaluated: 2024-11-28. Review status: criteria provided, single submitter. Criteria: ACMG Guidelines, 2015. Collection method: clinical testing. Allele origin: germline.

CeGaT Center for Human Genetics Tuebingen
Classification: Likely benign. Last evaluated: 2018-01-01. Review status: criteria provided, single submitter. Criteria: CeGaT Center For Human Genetics Tuebingen Variant Classification Criteria Version 2. Collection method: clinical testing. Allele origin: germline. Affected: yes. Observed: 1 variant allele.

Breakthrough Genomics
Classification: Likely benign. Review status: criteria provided, single submitter. Criteria: ACMG Guidelines, 2015. Collection method: not provided. Allele origin: germline. Inheritance: X-linked inheritance. Affected: yes.

Broad Center for Mendelian Genomics, Broad Institute of MIT and Harvard
Classification: Benign for Bethlem myopathy 1A. Review status: criteria provided, single submitter. Criteria: ACMG Guidelines, 2015. Collection method: research. Allele origin: germline. Inheritance: X-linked inheritance. Affected: yes.
Comment: The c.106-17T>G variant in CLCN5 has been identified with de novo inheritance in an individual with hypercalciuric nephrolithiasis (PMID: 14673707), but in vitro functional studies with RT-PCR provide some evidence that the c.106-17T>G variant does not impact splicing in this individual (PMID: 14673707). This variant has also been identified in >0.6% of European (non-Finnish) chromosomes, 246 hemizygotes, and 2 homozygotes by ExAC. In summary, this variant meets criteria to be classified as benign for X-linked recessive hypercalciuric nephrolithiasis.

Dr. Peter K. Rogan Lab, Western University
No classification provided (evidence only). Condition: Familial pancreatic carcinoma. Review status: no classification provided. Collection method: in vitro. Allele origin: not applicable. Functional consequence: retained intron. Not counted in ClinVar's aggregate classification.

Literature cited by the submitters: PubMed 14673707 (cited by Broad Center for Mendelian Genomics, Broad Institute of MIT and Harvard).

NM_001127898.4(CLCN5):c.316-17T>G

Gene: CLCN5 (Cl-/H+ antiporter 5; plus strand). Cytogenetic location: Xp11.23.
Variant type: single nucleotide variant.
Coding change: c.316-17T>G on transcript NM_001127898.4 (MANE Select); 17 bases into the intron before coding-DNA position 316, T replaced by G.
Molecular consequence: intron variant.
Genome position (GRCh38, 1-based): chrX:50,072,472, T>G. VCF-style: chrX-50072472-T-G. GRCh37 (hg19) VCF-style: chrX-49837127-T-G.
Other names: c.316-17T>G (NM_001127899.4); c.106-17T>G (NM_000084.5); c.166-17T>G (NM_001282163.2).
Identifiers: ClinVar variation 810599 (VCV000810599.53), dbSNP rs56117808, ClinGen allele CA10413712.
Genomic context (GRCh38, chrX:50,072,472, plus strand): 5'-TATTTCTTTGTTGAACAGTTTTTAAGTGAAAAAATGGTGTGTGTAGAGTGTACCAATGTT[T>G]TCTCATTTTCCCCTAGATTACCAATAAAAGCAAAGAGTCAACATGGGCCTTAATTCACAG-3'